The following is an entry in ClinVar:

ClinVar aggregate classification (germline): Likely benign (1 of 4 stars; one submission).

Conditions:
DST-related disorder. Also called: DST-related disorders; DST-related condition.

gnomAD v4.1: 1 of 1,614,196 alleles (0.000062%); highest among the groups gnomAD compares: Non-Finnish European, 0.000085%; no homozygotes.

Submission:

PreventionGenetics, part of Exact Sciences
Classification: Likely benign for DST-related condition. Last evaluated: 2026-05-08. Review status: criteria provided, single submitter. Criteria: ACMG Guidelines, 2015. Collection method: clinical testing. Allele origin: germline.
Comment: This variant is classified as likely benign based on ACMG/AMP sequence variant interpretation guidelines (Richards et al. 2015 PMID: 25741868, with internal and published modifications).

NM_001723.7(DST):c.4086A>G (p.Glu1362=)

Gene: DST (dystonin; minus strand). Cytogenetic location: 6p12.1.
Variant type: single nucleotide variant.
Coding change: c.4086A>G on transcript NM_001723.7 (MANE Plus Clinical); coding-DNA position 4086, A replaced by G.
Protein change: p.Glu1362=; no amino-acid change (glutamic acid 1362 retained).
Molecular consequence: synonymous variant. On other transcripts: intron variant (10).
Genome position (GRCh38, 1-based): chr6:56,619,948, T>C on the plus strand (A>G on the coding strand, the complement: DST is on the minus strand). VCF-style: chr6-56619948-T-C. GRCh37 (hg19) VCF-style: chr6-56484746-T-C.
Other names: c.4830+4582A>G (NM_001144769.5); c.4929+4582A>G (NM_001374722.1, NM_001374736.1); c.4956+4582A>G (NM_001374734.1); c.4416+4582A>G (NM_001144770.2); c.4296+4582A>G (NM_001374730.1, NM_001386100.1, NM_183380.4 and 1 more transcripts); c.3318+4582A>G (NM_015548.5).
Identifiers: ClinVar variation 4989917 (VCV004989917.1).